The following is an entry in ClinVar:

ClinVar aggregate classification (germline): Uncertain significance (1 of 4 stars; one submission).

Submission:

CeGaT Center for Human Genetics Tuebingen
Classification: Uncertain significance. Last evaluated: 2022-09-01. Review status: criteria provided, single submitter. Criteria: CeGaT Center For Human Genetics Tuebingen Variant Classification Criteria Version 2. Collection method: clinical testing. Allele origin: germline. Affected: yes. Observed: 1 variant allele.
Comment: SHROOM4: PM2, PM4

NM_020717.5(SHROOM4):c.6_8del (p.Glu2_Asn3delinsAsp)

Gene: SHROOM4 (shroom family member 4; minus strand). Cytogenetic location: Xp11.22.
Variant type: Deletion.
Coding change: c.6_8del on transcript NM_020717.5 (MANE Select); coding-DNA positions 6 to 8, 3 bases deleted (GAA; older notation c.6_8delGAA).
Protein change: p.Glu2_Asn3delinsAsp.
Molecular consequence: inframe indel. On other transcripts: non-coding transcript variant (2).
Genome position (GRCh38, 1-based): chrX:50,814,011-50,814,013, TTC deleted on the plus strand (GAA on the coding strand, the reverse complement: SHROOM4 is on the minus strand); deleting any 3 consecutive bases within chrX:50,814,011-50,814,014 gives the same sequence; the c. name uses the placement nearest the transcript's 3' end. VCF-style (leftmost placement, unchanged base first): chrX-50814010-GTTC-G. GRCh37 (hg19) VCF-style: chrX-50557010-GTTC-G.
Identifiers: ClinVar variation 2660563 (VCV002660563.24), dbSNP rs2519814584, ClinGen allele CA2695200209.
Genomic context (GRCh38, chrX:50,814,010, plus strand): 5'-GAAGCCCCAGGGTGCCCCCCCTTGCAGCTGCACAGGGACGTACTGGAAGGACCCAGGCCG[GTTC>G]TCCATCCTCGGCTGGGCTCAGGCGCCGCCGGGCTCCTTTTCCGAGGGGGCTACGTTGCCT-3'